The following is an entry in ClinVar:

ClinVar aggregate classification (germline): Likely benign. Review status: criteria provided, multiple submitters, no conflicts (2 of 4 stars). 3 submissions from 3 submitters: Likely benign (3). Last evaluated 2025-08-15.

Allele frequency attached by ClinVar (database versions not stated): ESP Exome Variant Server 0.00348; 1000 Genomes Project 0.00659; 1000 Genomes Project 30x 0.00718.
gnomAD v4.1: 2,029 of 1,596,488 alleles (0.13%); highest among the groups gnomAD compares: African/African-American, 1.1%; 16 homozygotes.

Submissions (3):

Mayo Clinic Laboratories, Mayo Clinic
Classification: Likely benign. Last evaluated: 2025-08-15. Review status: criteria provided, single submitter. Criteria: ACMG Guidelines, 2015. Collection method: clinical testing. Allele origin: germline. Observed: 10 variant alleles.
Comment: BS1, BP4, BP7

GeneDx
Classification: Likely benign. Last evaluated: 2018-10-28. Review status: criteria provided, single submitter. Criteria: GeneDx Variant Classification Process June 2021. Collection method: clinical testing. Allele origin: germline. Affected: yes.

Breakthrough Genomics
Classification: Likely benign. Review status: criteria provided, single submitter. Criteria: ACMG Guidelines, 2015. Collection method: not provided. Allele origin: germline. Inheritance: Autosomal recessive inheritance. Affected: yes.

NM_000158.4(GBE1):c.143+25C>T

Gene: GBE1 (1,4-alpha-glucan branching enzyme 1; minus strand). Cytogenetic location: 3p12.2.
Variant type: single nucleotide variant.
Coding change: c.143+25C>T on transcript NM_000158.4 (MANE Select); 25 bases into the intron after coding-DNA position 143, C replaced by T.
Molecular consequence: intron variant.
Genome position (GRCh38, 1-based): chr3:81,761,350, G>A on the plus strand (C>T on the coding strand, the complement: GBE1 is on the minus strand). VCF-style: chr3-81761350-G-A. GRCh37 (hg19) VCF-style: chr3-81810501-G-A.
Other names: p.?.
Identifiers: ClinVar variation 1202032 (VCV001202032.5), dbSNP rs28763905, ClinGen allele CA2500071.